The following is an entry in ClinVar:

NM_007126.5(VCP):c.860G>T (p.Arg287Leu)

Gene: VCP (valosin containing protein; minus strand). Cytogenetic location: 9p13.3.
Variant type: single nucleotide variant.
Coding change: c.860G>T on transcript NM_007126.5 (MANE Select); coding-DNA position 860, G replaced by T.
Protein change: p.Arg287Leu; replaces arginine 287 with leucine.
Molecular consequence: missense variant.
Genome position (GRCh38, 1-based): chr9:35,062,302, C>A on the plus strand (G>T on the coding strand, the complement: VCP is on the minus strand). VCF-style: chr9-35062302-C-A. GRCh37 (hg19) VCF-style: chr9-35062299-C-A.
Other names: c.725G>T, p.Arg242Leu (NM_001354927.2, NM_001354928.2); short protein forms R287L, R242L.
Identifiers: ClinVar variation 546577 (VCV000546577.2), dbSNP rs1554668497, ClinGen allele CA373286007.

ClinVar aggregate classification (germline): Uncertain significance (1 of 4 stars; one submission).

Submission:

GeneDx
Classification: Uncertain significance. Last evaluated: 2018-06-04. Review status: criteria provided, single submitter. Criteria: GeneDx Variant Classification (06012015). Collection method: clinical testing. Allele origin: germline. Affected: yes.
Comment: The R287L variant has not been published as a pathogenic variant, nor has it been reported as a benign variant to our knowledge. The R287L variant is not observed in large population cohorts (Lek et al., 2016). The R287L variant is a non-conservative amino acid substitution, which is likely to impact secondary protein structure as these residues differ in polarity, charge, size and/or other properties. In-silico analyses, including protein predictors and evolutionary conservation, support a deleterious effect. Based on the currently available information, it is unclear whether this variant is a pathogenic variant or a rare benign variant.